The following is an entry in ClinVar:

NM_033026.6(PCLO):c.2159C>T (p.Ala720Val)

Gene: PCLO (piccolo presynaptic cytomatrix protein; minus strand). Cytogenetic location: 7q21.11.
Variant type: single nucleotide variant.
Coding change: c.2159C>T on transcript NM_033026.6 (MANE Select); coding-DNA position 2159, C replaced by T.
Protein change: p.Ala720Val; replaces alanine 720 with valine.
Molecular consequence: missense variant.
Genome position (GRCh38, 1-based): chr7:83,135,391, G>A on the plus strand (C>T on the coding strand, the complement: PCLO is on the minus strand). VCF-style: chr7-83135391-G-A. GRCh37 (hg19) VCF-style: chr7-82764707-G-A.
Other names: c.2159C>T, p.Ala720Val (NM_014510.3); c.2159C>T (NM_033026.5); short protein forms A720V.
Identifiers: ClinVar variation 1634982 (VCV001634982.10), dbSNP rs200999253, ClinGen allele CA4321308.

ClinVar aggregate classification (germline): Likely benign. Review status: criteria provided, multiple submitters, no conflicts (2 of 4 stars). 2 submissions from 2 submitters: Likely benign (2). Last evaluated 2025-10-29.

Conditions:
PCLO-related disorder. Also called: PCLO-related condition.

Allele frequency attached by ClinVar (database versions not stated): gnomAD 0.00031; gnomAD exomes 0.00036 and 0.00046; TOPMed 0.00043; ESP Exome Variant Server 0.00049; ExAC 0.00054.
gnomAD v4.1: 578 of 1,613,796 alleles (0.036%); highest among the groups gnomAD compares: Non-Finnish European, 0.038%; 1 homozygote.

Submissions (3):

Labcorp Genetics (formerly Invitae), Labcorp
Classification: Likely benign. Last evaluated: 2025-10-29. Review status: criteria provided, single submitter. Criteria: Invitae Variant Classification Sherloc (09022015). Collection method: clinical testing. Allele origin: germline.

PreventionGenetics, part of Exact Sciences
Classification: Likely benign for PCLO-related condition. Last evaluated: 2022-04-17. Review status: criteria provided, single submitter. Criteria: ACMG Guidelines, 2015. Collection method: clinical testing. Allele origin: germline.
Comment: This variant is classified as likely benign based on ACMG/AMP sequence variant interpretation guidelines (Richards et al. 2015 PMID: 25741868, with internal and published modifications).

Dr. Peter K. Rogan Lab, Western University
No classification provided (evidence only). Condition: Colorectal cancer. Review status: no classification provided. Collection method: in vitro. Allele origin: not applicable. Functional consequence: retained intron. Not counted in ClinVar's aggregate classification.